The following is an entry in ClinVar:

ClinVar aggregate classification (germline): Uncertain significance. Review status: criteria provided, multiple submitters, no conflicts (2 of 4 stars). 2 submissions from 2 submitters: Uncertain significance (2). Last evaluated 2023-09-21.

Conditions:
PIEZO1-related disorder. Also called: PIEZO1-related condition; PIEZO1-Related Disorders.

Allele frequency attached by ClinVar (database versions not stated): gnomAD exomes below 0.00001; gnomAD 0.00001; TOPMed 0.00001.
gnomAD v4.1: 3 of 1,550,118 alleles (0.00019%); highest among the groups gnomAD compares: Non-Finnish European, 0.00026%; no homozygotes.

Submissions (2):

PreventionGenetics, part of Exact Sciences
Classification: Uncertain significance for PIEZO1-related condition. Last evaluated: 2023-09-21. Review status: criteria provided, single submitter. Criteria: ACMG Guidelines, 2015. Collection method: clinical testing. Allele origin: germline.
Comment: The PIEZO1 c.3461A>G variant is predicted to result in the amino acid substitution p.Tyr1154Cys. To our knowledge, this variant has not been reported in the literature. This variant is reported in 0.0065% of alleles in individuals of European (Non-Finnish) descent in gnomAD. At this time, the clinical significance of this variant is uncertain due to the absence of conclusive functional and genetic evidence.

ARUP Laboratories, Molecular Genetics and Genomics, ARUP Laboratories
Classification: Uncertain significance. Last evaluated: 2023-08-10. Review status: criteria provided, single submitter. Criteria: ARUP Molecular Germline Variant Investigation Process 2024. Collection method: clinical testing. Allele origin: germline.

NM_001142864.4(PIEZO1):c.3461A>G (p.Tyr1154Cys)

Gene: PIEZO1 (piezo type mechanosensitive ion channel component 1 (Er blood group); minus strand). Cytogenetic location: 16q24.3.
Variant type: single nucleotide variant.
Coding change: c.3461A>G on transcript NM_001142864.4 (MANE Select); coding-DNA position 3461, A replaced by G.
Protein change: p.Tyr1154Cys; replaces tyrosine 1154 with cysteine.
Molecular consequence: missense variant.
Genome position (GRCh38, 1-based): chr16:88,726,953, T>C on the plus strand (A>G on the coding strand, the complement: PIEZO1 is on the minus strand). VCF-style: chr16-88726953-T-C. GRCh37 (hg19) VCF-style: chr16-88793361-T-C.
Other names: c.3461A>G (NM_001142864.3); short protein forms Y1154C.
Identifiers: ClinVar variation 993823 (VCV000993823.10), dbSNP rs1348948980, ClinGen allele CA397104903.